The following is an entry in ClinVar:

ClinVar aggregate classification (germline): Likely pathogenic (1 of 4 stars; one submission).

Conditions:
CEP135-related disorder. Also called: CEP135-related condition.

Allele frequency attached by ClinVar (database versions not stated): gnomAD 0.00001; gnomAD exomes 0.00001; TOPMed 0.00002.
gnomAD v4.1: 22 of 1,613,928 alleles (0.0014%); highest among the groups gnomAD compares: Admixed American, 0.0017%; no homozygotes.

Submission:

PreventionGenetics, part of Exact Sciences
Classification: Likely pathogenic for CEP135-related condition. Last evaluated: 2023-09-14. Review status: criteria provided, single submitter. Criteria: ACMG Guidelines, 2015. Collection method: clinical testing. Allele origin: germline.
Comment: The CEP135 c.2056C>T variant is predicted to result in premature protein termination (p.Arg686*). To our knowledge, this variant has not been reported in the literature. This variant is reported in 0.0033% of alleles in individuals of South Asian descent in gnomAD. Nonsense variants in CEP135 are expected to be pathogenic. This variant is interpreted as likely pathogenic.

NM_025009.5(CEP135):c.2056C>T (p.Arg686Ter)

Gene: CEP135 (centrosomal protein 135; plus strand). Cytogenetic location: 4q12.
Variant type: single nucleotide variant.
Coding change: c.2056C>T on transcript NM_025009.5 (MANE Select); coding-DNA position 2056, C replaced by T.
Protein change: p.Arg686Ter; replaces arginine 686 with a stop codon.
Molecular consequence: nonsense.
Genome position (GRCh38, 1-based): chr4:55,999,348, C>T. VCF-style: chr4-55999348-C-T. GRCh37 (hg19) VCF-style: chr4-56865514-C-T.
Other names: short protein forms R686*.
Identifiers: ClinVar variation 2632104 (VCV002632104.1), dbSNP rs1014920648, ClinGen allele CA97574332.